The following is an entry in ClinVar:

ClinVar aggregate classification (germline): Uncertain significance (1 of 4 stars; one submission).

Conditions:
Primary ciliary dyskinesia. Also called: Ciliary dyskinesia. Identifiers: Orphanet 244, MedGen C0008780, MONDO:0016575, HP:0012265.

gnomAD v4.1: 39 of 1,614,008 alleles (0.0024%); highest among the groups gnomAD compares: African/African-American, 0.012%; no homozygotes.

Submission:

Labcorp Genetics (formerly Invitae), Labcorp
Classification: Uncertain significance for Primary ciliary dyskinesia. Last evaluated: 2025-11-23. Review status: criteria provided, single submitter. Criteria: Invitae Variant Classification Sherloc (09022015). Collection method: clinical testing. Allele origin: germline.
Comment: This sequence change affects codon 503 of the DRC1 mRNA. It is a 'silent' change, meaning that it does not change the encoded amino acid sequence of the DRC1 protein. This variant also falls at the last nucleotide of exon 11, which is part of the consensus splice site for this exon. This variant is present in population databases (rs140550646, gnomAD 0.04%). This variant has not been reported in the literature in individuals affected with DRC1-related conditions. Variants that disrupt the consensus splice site are a relatively common cause of aberrant splicing (PMID: 17576681, 9536098). Algorithms developed to predict the effect of sequence changes on RNA splicing suggest that this variant may disrupt the consensus splice site. In summary, the available evidence is currently insufficient to determine the role of this variant in disease. Therefore, it has been classified as a Variant of Uncertain Significance.

Literature cited by the submitters: PubMed 17576681; PubMed 9536098.

NM_145038.5(DRC1):c.1509G>A (p.Ser503=)

Gene: DRC1 (dynein regulatory complex subunit 1; plus strand). Cytogenetic location: 2p23.3.
Variant type: single nucleotide variant.
Coding change: c.1509G>A on transcript NM_145038.5 (MANE Select); coding-DNA position 1509, G replaced by A.
Protein change: p.Ser503=; no amino-acid change (serine 503 retained).
Molecular consequence: synonymous variant.
Genome position (GRCh38, 1-based): chr2:26,448,803, G>A. VCF-style: chr2-26448803-G-A. GRCh37 (hg19) VCF-style: chr2-26671671-G-A.
Identifiers: ClinVar variation 4761720 (VCV004761720.1).